The following is an entry in ClinVar:

NM_002878.4(RAD51D):c.977A>C (p.Asp326Ala)

Genes: RAD51L3-RFFL (RAD51L3-RFFL readthrough; minus strand), RAD51D (RAD51 paralog D; minus strand). Cytogenetic location: 17q12.
Variant type: single nucleotide variant.
Coding change: c.977A>C on transcript NM_002878.4 (MANE Select); coding-DNA position 977, A replaced by C.
Protein change: p.Asp326Ala; replaces aspartic acid 326 with alanine.
Molecular consequence: missense variant. On other transcripts: non-coding transcript variant (2).
Genome position (GRCh38, 1-based): chr17:35,100,963, T>G on the plus strand (A>C on the coding strand, the complement: RAD51D is on the minus strand). VCF-style: chr17-35100963-T-G. GRCh37 (hg19) VCF-style: chr17-33427982-T-G.
Other names: c.1037A>C, p.Asp346Ala (NM_001142571.2); c.641A>C, p.Asp214Ala (NM_133629.3); short protein forms D326A, D346A, D214A.
Identifiers: ClinVar variation 472633 (VCV000472633.10), dbSNP rs1555566935, ClinGen allele CA399086041.

ClinVar aggregate classification (germline): Uncertain significance. Review status: criteria provided, multiple submitters, no conflicts (2 of 4 stars). 2 submissions from 2 submitters: Uncertain significance (2). Last evaluated 2024-03-06.

Conditions:
Hereditary cancer-predisposing syndrome. Also called: Neoplastic Syndromes, Hereditary; Tumor predisposition; Hereditary Cancer Syndrome; Hereditary neoplastic syndrome. Identifiers: Orphanet 140162, MedGen C0027672, MeSH D009386, MONDO:0015356.
Breast-ovarian cancer, familial, susceptibility to, 4. Identifiers: Orphanet 145, MedGen C3280345, MONDO:0013669, OMIM 614291.

Submissions (2):

Color Diagnostics, LLC DBA Color Health
Classification: Uncertain significance for Hereditary cancer-predisposing syndrome. Last evaluated: 2024-03-06. Review status: criteria provided, single submitter. Criteria: ACMG Guidelines, 2015. Collection method: clinical testing. Allele origin: germline.
Comment: This missense variant replaces aspartic acid with alanine at codon 326 of the RAD51D protein. Computational prediction suggests that this variant may not impact protein structure and function (internally defined REVEL score threshold <= 0.5, PMID: 27666373). To our knowledge, functional studies have not been reported for this variant. This variant has not been reported in individuals affected with hereditary cancer in the literature. This variant has not been identified in the general population by the Genome Aggregation Database (gnomAD). The available evidence is insufficient to determine the role of this variant in disease conclusively. Therefore, this variant is classified as a Variant of Uncertain Significance.

Labcorp Genetics (formerly Invitae), Labcorp
Classification: Uncertain significance for Breast-ovarian cancer, familial, susceptibility to, 4. Last evaluated: 2018-05-14. Review status: criteria provided, single submitter. Criteria: Invitae Variant Classification Sherloc (09022015). Collection method: clinical testing. Allele origin: germline.
Comment: In summary, the available evidence is currently insufficient to determine the role of this variant in disease. Therefore, it has been classified as a Variant of Uncertain Significance. Algorithms developed to predict the effect of missense changes on protein structure and function (SIFT, PolyPhen-2, Align-GVGD) all suggest that this variant is likely to be tolerated, but these predictions have not been confirmed by published functional studies and their clinical significance is uncertain. This variant has not been reported in the literature in individuals with RAD51D-related disease. ClinVar contains an entry for this variant (Variation ID: 472633). This variant is not present in population databases (ExAC no frequency). This sequence change replaces aspartic acid with alanine at codon 326 of the RAD51D protein (p.Asp326Ala). The aspartic acid residue is weakly conserved and there is a moderate physicochemical difference between aspartic acid and alanine.